The following is an entry in ClinVar:

ClinVar aggregate classification (germline): Uncertain significance (1 of 4 stars; one submission).

Allele frequency attached by ClinVar (database versions not stated): gnomAD exomes below 0.00001.
gnomAD v4.1: 1 of 1,606,894 alleles (0.000062%); highest among the groups gnomAD compares: Non-Finnish European, 0.000085%; no homozygotes.

Submission:

Labcorp Genetics (formerly Invitae), Labcorp
Classification: Uncertain significance. Last evaluated: 2022-11-15. Review status: criteria provided, single submitter. Criteria: Invitae Variant Classification Sherloc (09022015). Collection method: clinical testing. Allele origin: germline.
Comment: In summary, the available evidence is currently insufficient to determine the role of this variant in disease. Therefore, it has been classified as a Variant of Uncertain Significance. Advanced modeling of protein sequence and biophysical properties (such as structural, functional, and spatial information, amino acid conservation, physicochemical variation, residue mobility, and thermodynamic stability) performed at Invitae indicates that this missense variant is not expected to disrupt CABP4 protein function. ClinVar contains an entry for this variant (Variation ID: 1443543). This variant has not been reported in the literature in individuals affected with CABP4-related conditions. This variant is not present in population databases (gnomAD no frequency). This sequence change replaces valine, which is neutral and non-polar, with alanine, which is neutral and non-polar, at codon 25 of the CABP4 protein (p.Val25Ala).

NM_145200.5(CABP4):c.74T>C (p.Val25Ala)

Gene: CABP4 (calcium binding protein 4; plus strand). Cytogenetic location: 11q13.2.
Variant type: single nucleotide variant.
Coding change: c.74T>C on transcript NM_145200.5 (MANE Select); coding-DNA position 74, T replaced by C.
Protein change: p.Val25Ala; replaces valine 25 with alanine.
Molecular consequence: missense variant. On other transcripts: 5 prime UTR variant (2), non-coding transcript variant (1), intron variant (1).
Genome position (GRCh38, 1-based): chr11:67,455,497, T>C. VCF-style: chr11-67455497-T-C. GRCh37 (hg19) VCF-style: chr11-67222968-T-C.
Other names: c.-310T>C (NM_001300895.3); c.-324T>C (NM_001379183.1); c.-112-212T>C (NM_001300896.3); short protein forms V25A.
Identifiers: ClinVar variation 1443543 (VCV001443543.6), dbSNP rs2135171897, ClinGen allele CA381526710.